The following is an entry in ClinVar:

ClinVar aggregate classification (germline): Uncertain significance. Review status: criteria provided, multiple submitters, no conflicts (2 of 4 stars). 3 submissions from 3 submitters: Uncertain significance (3). Last evaluated 2023-11-17.

Conditions:
Familial sleep-related hypermotor epilepsy. Also called: Autosomal Dominant Sleep-Related Hypermotor (Hyperkinetic) Epilepsy. Identifiers: Orphanet 98784, MedGen C3696898, MONDO:0000030.
Inborn genetic diseases. Identifiers: MedGen C0950123, MeSH D030342.

Allele frequency attached by ClinVar (database versions not stated): gnomAD exomes below 0.00001; ExAC 0.00001.
gnomAD v4.1: 3 of 1,613,782 alleles (0.00019%); highest among the groups gnomAD compares: South Asian, 0.0011%; no homozygotes.

Submissions (3):

Labcorp Genetics (formerly Invitae), Labcorp
Classification: Uncertain significance. Last evaluated: 2023-11-17. Review status: criteria provided, single submitter. Criteria: Invitae Variant Classification Sherloc (09022015). Collection method: clinical testing. Allele origin: germline.
Comment: This sequence change replaces glutamic acid, which is acidic and polar, with lysine, which is basic and polar, at codon 208 of the CHRNA4 protein (p.Glu208Lys). This variant is present in population databases (rs771249249, gnomAD 0.003%). This variant has not been reported in the literature in individuals affected with CHRNA4-related conditions. ClinVar contains an entry for this variant (Variation ID: 205018). Advanced modeling of protein sequence and biophysical properties (such as structural, functional, and spatial information, amino acid conservation, physicochemical variation, residue mobility, and thermodynamic stability) performed at Invitae indicates that this missense variant is expected to disrupt CHRNA4 protein function with a positive predictive value of 80%. In summary, the available evidence is currently insufficient to determine the role of this variant in disease. Therefore, it has been classified as a Variant of Uncertain Significance.

GeneDx
Classification: Uncertain significance. Last evaluated: 2023-08-24. Review status: criteria provided, single submitter. Criteria: GeneDx Variant Classification Process June 2021. Collection method: clinical testing. Allele origin: germline. Affected: yes.
Comment: Not observed at significant frequency in large population cohorts (gnomAD); In silico analysis supports that this missense variant has a deleterious effect on protein structure/function; Has not been previously published as pathogenic or benign to our knowledge

Ambry Genetics
Classification: Uncertain significance for Inborn genetic diseases. Last evaluated: 2016-07-28. Review status: criteria provided, single submitter. Criteria: Ambry Variant Classification Scheme 2023. Collection method: clinical testing. Allele origin: germline.
Comment: The p.E208K variant (also known as c.622G>A), located in coding exon 5 of the CHRNA4 gene, results from a G to A substitution at nucleotide position 622. The glutamic acid at codon 208 is replaced by lysine, an amino acid with similar properties. This variant was not reported in population based cohorts in the following databases: Database of Single Nucleotide Polymorphisms (dbSNP), NHLBI Exome Sequencing Project (ESP), and 1000 Genomes Project. In the ESP, this variant was not observed in 6502 samples (13004 alleles) with coverage at this position. This amino acid position is highly conserved in available vertebrate species. In addition, this alteration is predicted to be deleterious by in silico analysis. Since supporting evidence is limited at this time, the clinical significance of this variant remains unclear.

NM_000744.7(CHRNA4):c.622G>A (p.Glu208Lys)

Gene: CHRNA4 (cholinergic receptor nicotinic alpha 4 subunit; minus strand). Cytogenetic location: 20q13.33.
Variant type: single nucleotide variant.
Coding change: c.622G>A on transcript NM_000744.7 (MANE Select); coding-DNA position 622, G replaced by A.
Protein change: p.Glu208Lys; replaces glutamic acid 208 with lysine.
Molecular consequence: missense variant. On other transcripts: non-coding transcript variant (1).
Genome position (GRCh38, 1-based): chr20:63,350,789, C>T on the plus strand (G>A on the coding strand, the complement: CHRNA4 is on the minus strand). VCF-style: chr20-63350789-C-T. GRCh37 (hg19) VCF-style: chr20-61982141-C-T.
Other names: p.E208K:GAG>AAG; c.94G>A, p.Glu32Lys (NM_001256573.2); short protein forms E208K, E32K.
Identifiers: ClinVar variation 205018 (VCV000205018.12), dbSNP rs771249249, ClinGen allele CA313553.